The following is an entry in ClinVar:

ClinVar aggregate classification (germline): Uncertain significance (1 of 4 stars; one submission).

Allele frequency attached by ClinVar (database versions not stated): gnomAD exomes below 0.00001; TOPMed below 0.00001; ExAC 0.00001; gnomAD 0.00001.
gnomAD v4.1: 6 of 1,613,886 alleles (0.00037%); highest among the groups gnomAD compares: Non-Finnish European, 0.00051%; no homozygotes.

Submission:

GeneDx
Classification: Uncertain significance. Last evaluated: 2020-01-15. Review status: criteria provided, single submitter. Criteria: GeneDx Variant Classification Process June 2021. Collection method: clinical testing. Allele origin: germline. Affected: yes.
Comment: Not observed at a significant frequency in large population cohorts (Lek et al., 2016); In silico analysis, which includes protein predictors and evolutionary conservation, supports a deleterious effect; Has not been previously published as pathogenic or benign to our knowledge

NM_018896.5(CACNA1G):c.932C>T (p.Thr311Ile)

Gene: CACNA1G (calcium voltage-gated channel subunit alpha1 G; plus strand). Cytogenetic location: 17q21.33.
Variant type: single nucleotide variant.
Coding change: c.932C>T on transcript NM_018896.5 (MANE Select); coding-DNA position 932, C replaced by T.
Protein change: p.Thr311Ile; replaces threonine 311 with isoleucine.
Molecular consequence: missense variant. On other transcripts: non-coding transcript variant (5).
Genome position (GRCh38, 1-based): chr17:50,572,739, C>T. VCF-style: chr17-50572739-C-T. GRCh37 (hg19) VCF-style: chr17-48650100-C-T.
Other names: c.932C>T, p.Thr311Ile (NM_001256324.2, NM_001256325.2, NM_001256326.2 and 24 more transcripts); short protein forms T311I.
Identifiers: ClinVar variation 1312000 (VCV001312000.2), dbSNP rs746285801, ClinGen allele CA8652065.
Genomic context (GRCh38, chr17:50,572,739, plus strand): 5'-ACGGGGGCGGTGGCCCACCTTGCGGTCTGGACTATGAGGCCTACAACAGCTCCAGCAACA[C>T]CACCTGTGTCAACTGGAACCAGTACTACACCAACTGCTCAGCGGGGGAGCACAACCCCTT-3'
Protein context (NP_061496.2, residues 301-321): DYEAYNSSSN[Thr311Ile]TCVNWNQYYT